The following is an entry in ClinVar:

ClinVar aggregate classification (germline): Likely benign. Review status: criteria provided, single submitter (1 of 4 stars). 2 submissions from 2 submitters: Likely benign (1). 1 of the submissions does not count toward it. Last evaluated 2024-10-30.

Conditions:
IL17RA-related disorder. Also called: IL17RA-related condition.
Immunodeficiency 51 (IMD51). Also called: CANDIDIASIS, FAMILIAL, 5. Identifiers: Orphanet 1334, MedGen C4310803, MONDO:0013500, OMIM 613953.

Allele frequency attached by ClinVar (database versions not stated): TOPMed 0.00004.

Submissions (2):

Labcorp Genetics (formerly Invitae), Labcorp
Classification: Likely benign for Immunodeficiency 51. Last evaluated: 2024-10-30. Review status: criteria provided, single submitter. Criteria: Invitae Variant Classification Sherloc (09022015). Collection method: clinical testing. Allele origin: germline.

PreventionGenetics, part of Exact Sciences
Classification: Likely benign for IL17RA-related condition. Last evaluated: 2020-12-30. Review status: no assertion criteria provided. Collection method: clinical testing. Allele origin: germline. Not counted in ClinVar's aggregate classification.
Comment: This variant is classified as likely benign based on ACMG/AMP sequence variant interpretation guidelines (Richards et al. 2015 PMID: 25741868, with internal and published modifications).

NM_014339.7(IL17RA):c.2070C>A (p.Ala690=)

Gene: IL17RA (interleukin 17 receptor A; plus strand). Cytogenetic location: 22q11.1.
Variant type: single nucleotide variant.
Coding change: c.2070C>A on transcript NM_014339.7 (MANE Select); coding-DNA position 2070, C replaced by A.
Protein change: p.Ala690=; no amino-acid change (alanine 690 retained).
Molecular consequence: synonymous variant.
Genome position (GRCh38, 1-based): chr22:17,109,289, C>A. VCF-style: chr22-17109289-C-A. GRCh37 (hg19) VCF-style: chr22-17590179-C-A.
Other names: c.1968C>A, p.Ala656= (NM_001289905.2).
Identifiers: ClinVar variation 2716431 (VCV002716431.5), dbSNP rs770175173, ClinGen allele CA321153096.